The following is an entry in ClinVar:

ClinVar aggregate classification (germline): Conflicting classifications of pathogenicity. Review status: criteria provided, conflicting classifications (1 of 4 stars). 6 submissions from 6 submitters: Uncertain significance (1); Benign (1); Likely benign (3). 1 of the submissions does not count toward it. Last evaluated 2025-12-21.

Conditions:
GYG1-related disorder. Also called: GYG1-related condition.
Polyglucosan body myopathy type 2. Identifiers: Orphanet 456369, MedGen C4015452, MONDO:0014526, OMIM 616199.
Glycogen storage disease XV (GSD15). Also called: GLYCOGENIN DEFICIENCY; GSD XV. Identifiers: Orphanet 263297, MedGen C3150754, MONDO:0013291, OMIM 613507.
Inborn genetic diseases. Identifiers: MedGen C0950123, MeSH D030342.

Allele frequency attached by ClinVar (database versions not stated): ESP Exome Variant Server 0.00015; 1000 Genomes Project 30x 0.00016; 1000 Genomes Project 0.00020; gnomAD 0.00022 and 0.00023; TOPMed 0.00025.
gnomAD v4.1: 484 of 1,613,858 alleles (0.03%); highest among the groups gnomAD compares: Non-Finnish European, 0.037%; 1 homozygote.

Submissions (6):

Labcorp Genetics (formerly Invitae), Labcorp
Classification: Benign for Polyglucosan body myopathy type 2; Glycogen storage disease XV. Last evaluated: 2025-12-21. Review status: criteria provided, single submitter. Criteria: Invitae Variant Classification Sherloc (09022015). Collection method: clinical testing. Allele origin: germline.

Ambry Genetics
Classification: Likely benign for Inborn genetic diseases. Last evaluated: 2025-02-26. Review status: criteria provided, single submitter. Criteria: Ambry Variant Classification Scheme 2023. Collection method: clinical testing. Allele origin: germline.

Blueprint Genetics
Classification: Likely benign. Last evaluated: 2024-11-19. Review status: criteria provided, single submitter. Criteria: ACMG Guidelines, 2015. Collection method: clinical testing. Allele origin: germline.

ARUP Laboratories, Molecular Genetics and Genomics, ARUP Laboratories
Classification: Likely benign. Last evaluated: 2024-04-24. Review status: criteria provided, single submitter. Criteria: ARUP Molecular Germline Variant Investigation Process 2024. Collection method: clinical testing. Allele origin: germline.

GeneDx
Classification: Uncertain significance. Last evaluated: 2023-04-24. Review status: criteria provided, single submitter. Criteria: GeneDx Variant Classification Process June 2021. Collection method: clinical testing. Allele origin: germline. Affected: yes.
Comment: Has not been previously published as pathogenic or benign to our knowledge; In silico analysis supports that this variant does not alter splicing

PreventionGenetics, part of Exact Sciences
Classification: Likely benign for GYG1-related condition. Last evaluated: 2024-03-26. Review status: no assertion criteria provided. Collection method: clinical testing. Allele origin: germline. Not counted in ClinVar's aggregate classification.
Comment: This variant is classified as likely benign based on ACMG/AMP sequence variant interpretation guidelines (Richards et al. 2015 PMID: 25741868, with internal and published modifications).

NM_004130.4(GYG1):c.1041T>A (p.Thr347=)

Gene: GYG1 (glycogenin 1; plus strand). Cytogenetic location: 3q24.
Variant type: single nucleotide variant.
Coding change: c.1041T>A on transcript NM_004130.4 (MANE Select); coding-DNA position 1041, T replaced by A.
Protein change: p.Thr347=; no amino-acid change (threonine 347 retained).
Molecular consequence: synonymous variant. On other transcripts: missense variant (1).
Genome position (GRCh38, 1-based): chr3:149,026,921, T>A. VCF-style: chr3-149026921-T-A. GRCh37 (hg19) VCF-style: chr3-148744708-T-A.
Other names: c.990T>A, p.Thr330= (NM_001184720.2); c.770T>A, p.Leu257His (NM_001184721.2); c.770T>A (NM_001184721.1); short protein forms L257H.
Identifiers: ClinVar variation 1166072 (VCV001166072.16), dbSNP rs202027758, ClinGen allele CA2658741.
Genomic context (GRCh38, chr3:149,026,921, plus strand): 5'-GGGCCAGGCTGATTATATGGGAGCAGATTCCTTTGACAACATCAAGAGGAAACTTGACAC[T>A]TACCTCCAGTAGAAACACTGCATTTTTCTGTGAACACATCCACTTCACAAGCCTTGTTTC-3'
Protein context (NP_004121.2, residues 337-350): SFDNIKRKLD[Thr347=]YLQ